The following is an entry in ClinVar:

ClinVar aggregate classification (germline): Uncertain significance (1 of 4 stars; one submission).

Conditions:
Juvenile polyposis syndrome (JPS). Identifiers: Orphanet 2929, MedGen C0345893, MONDO:0017380, OMIM 174900.

Submission:

Labcorp Genetics (formerly Invitae), Labcorp
Classification: Uncertain significance for Juvenile polyposis syndrome. Last evaluated: 2022-08-03. Review status: criteria provided, single submitter. Criteria: Invitae Variant Classification Sherloc (09022015). Collection method: clinical testing. Allele origin: germline.
Comment: This sequence change replaces histidine, which is basic and polar, with aspartic acid, which is acidic and polar, at codon 66 of the BMPR1A protein (p.His66Asp). In summary, the available evidence is currently insufficient to determine the role of this variant in disease. Therefore, it has been classified as a Variant of Uncertain Significance. Advanced modeling of protein sequence and biophysical properties (such as structural, functional, and spatial information, amino acid conservation, physicochemical variation, residue mobility, and thermodynamic stability) performed at Invitae indicates that this missense variant is expected to disrupt BMPR1A protein function. This variant has not been reported in the literature in individuals affected with BMPR1A-related conditions. This variant is not present in population databases (gnomAD no frequency).

NM_004329.3(BMPR1A):c.196C>G (p.His66Asp)

Gene: BMPR1A (bone morphogenetic protein receptor type 1A; plus strand). Cytogenetic location: 10q23.2.
Variant type: single nucleotide variant.
Coding change: c.196C>G on transcript NM_004329.3 (MANE Select); coding-DNA position 196, C replaced by G.
Protein change: p.His66Asp; replaces histidine 66 with aspartic acid.
Molecular consequence: missense variant.
Genome position (GRCh38, 1-based): chr10:86,890,190, C>G. VCF-style: chr10-86890190-C-G. GRCh37 (hg19) VCF-style: chr10-88649947-C-G.
Other names: c.196C>G, p.His66Asp (NM_001406559.1, NM_001406560.1, NM_001406561.1 and 23 more transcripts); c.112C>G, p.His38Asp (NM_001406584.1, NM_001406585.1, NM_001406586.1 and 2 more transcripts); short protein forms H38D, H66D.
Identifiers: ClinVar variation 1714866 (VCV001714866.6), dbSNP rs2133396171, ClinGen allele CA377447057.